The following is an entry in ClinVar:

ClinVar aggregate classification (germline): Likely benign. Review status: criteria provided, multiple submitters, no conflicts (2 of 4 stars). 2 submissions from 2 submitters: Likely benign (2). Last evaluated 2025-02-28.

Conditions:
Hereditary sensory neuropathy-deafness-dementia syndrome. Also called: HSN IE; NEUROPATHY, HEREDITARY SENSORY, WITH HEARING LOSS AND DEMENTIA; Hereditary Sensory and Autonomic Neuropathy Type 1E (HSAN1E); Hereditary sensory neuropathy type IE. Identifiers: Orphanet 456318, MedGen C3279885, MONDO:0013584, OMIM 614116.

Allele frequency attached by ClinVar (database versions not stated): TOPMed 0.00001; gnomAD exomes 0.00002.
gnomAD v4.1: 27 of 1,612,296 alleles (0.0017%); highest among the groups gnomAD compares: Non-Finnish European, 0.0023%; no homozygotes.

Submissions (2):

Mayo Clinic Laboratories, Mayo Clinic
Classification: Likely benign. Last evaluated: 2025-02-28. Review status: criteria provided, single submitter. Criteria: ACMG Guidelines, 2015. Collection method: clinical testing. Allele origin: germline. Observed: 2 variant alleles.
Comment: BS2, BP4, BP7

Labcorp Genetics (formerly Invitae), Labcorp
Classification: Likely benign for Hereditary sensory neuropathy-deafness-dementia syndrome. Last evaluated: 2023-06-29. Review status: criteria provided, single submitter. Criteria: Invitae Variant Classification Sherloc (09022015). Collection method: clinical testing. Allele origin: germline.

NM_001130823.3(DNMT1):c.4293+8C>T

Gene: DNMT1 (DNA methyltransferase 1; minus strand). Cytogenetic location: 19p13.2.
Variant type: single nucleotide variant.
Coding change: c.4293+8C>T on transcript NM_001130823.3 (MANE Select); 8 bases into the intron after coding-DNA position 4293, C replaced by T.
Molecular consequence: intron variant.
Genome position (GRCh38, 1-based): chr19:10,137,824, G>A on the plus strand (C>T on the coding strand, the complement: DNMT1 is on the minus strand). VCF-style: chr19-10137824-G-A. GRCh37 (hg19) VCF-style: chr19-10248500-G-A.
Other names: p.?; c.3930+8C>T (NM_001318731.2); c.4245+8C>T (NM_001379.4, NM_001318730.2).
Identifiers: ClinVar variation 2848322 (VCV002848322.4), dbSNP rs1048439128, ClinGen allele CA305219231.
Genomic context (GRCh38, chr19:10,137,824, plus strand): 5'-GCTGACTGTTCCCACGAGGCTGCTGGGCTGGGCCTCGAGGAGGAGCCGCTCTGTCAGGGT[G>A]CCATTACCTTACAGATGTGGTCCCTGAGGATGGGCTGGTACTGTGCGCCCCGGAGCTGCC-3'